The following is an entry in ClinVar:

NM_001042492.3(NF1):c.7939del (p.Ser2647fs)

Gene: NF1 (neurofibromin 1; plus strand). Cytogenetic location: 17q11.2.
Variant type: Deletion.
Coding change: c.7939del on transcript NM_001042492.3 (MANE Select); coding-DNA position 7939, one base deleted (A; older notation c.7939delA).
Protein change: p.Ser2647fs; shifts the reading frame from serine 2647.
Molecular consequence: frameshift variant.
Genome position (GRCh38, 1-based): chr17:31,357,338, A deleted. VCF-style (leftmost placement, unchanged base first): chr17-31357337-CA-C. GRCh37 (hg19) VCF-style: chr17-29684355-CA-C.
Other names: c.7876delA, p.Ser2626Valfs (NM_000267.4); short protein forms S2647fs, S2626fs.
Identifiers: ClinVar variation 2850018 (VCV002850018.3), dbSNP rs2508830236, ClinGen allele CA2739267297.

ClinVar aggregate classification (germline): Pathogenic (1 of 4 stars; one submission).

Conditions:
Neurofibromatosis, type 1 (NF1). Also called: VON RECKLINGHAUSEN DISEASE; Neurofibromatosis, type I; Peripheral type neurofibromatosis; NEUROFIBROMATOSIS, TYPE I, SOMATIC. Identifiers: Orphanet 636, MedGen C0027831, MONDO:0018975, OMIM 162200. Disease mechanism: loss of function.

Submission:

Labcorp Genetics (formerly Invitae), Labcorp
Classification: Pathogenic for Neurofibromatosis, type 1. Last evaluated: 2025-07-30. Review status: criteria provided, single submitter. Criteria: Invitae Variant Classification Sherloc (09022015). Collection method: clinical testing. Allele origin: germline.
Comment: This sequence change creates a premature translational stop signal (p.Ser2626Valfs*32) in the NF1 gene. It is expected to result in an absent or disrupted protein product. Loss-of-function variants in NF1 are known to be pathogenic (PMID: 10712197, 23913538). This variant is not present in population databases (gnomAD no frequency). This variant has not been reported in the literature in individuals affected with NF1-related conditions. ClinVar contains an entry for this variant (Variation ID: 2850018). For these reasons, this variant has been classified as Pathogenic.

Literature cited by the submitters: PubMed 10712197; PubMed 23913538.